The following is an entry in ClinVar:

ClinVar aggregate classification (germline): Uncertain significance (1 of 4 stars; one submission).

Conditions:
Cardiovascular phenotype. Identifiers: MedGen CN230736.

Submission:

Ambry Genetics
Classification: Uncertain significance for Cardiovascular phenotype. Last evaluated: 2026-08-22. Review status: criteria provided, single submitter. Criteria: Ambry Variant Classification Scheme 2023. Collection method: clinical testing. Allele origin: germline.
Comment: The p.L148R variant (also known as c.443T>G), located in coding exon 1 of the FKRP gene, results from a T to G substitution at nucleotide position 443. The leucine at codon 148 is replaced by arginine, an amino acid with dissimilar properties. This amino acid position is conserved. In addition, this alteration is predicted to be deleterious by in silico analysis. Based on the available evidence, the clinical significance of this variant remains unclear.

NM_024301.5(FKRP):c.443T>G (p.Leu148Arg)

Gene: FKRP (fukutin related protein; plus strand). Cytogenetic location: 19q13.32.
Variant type: single nucleotide variant.
Coding change: c.443T>G on transcript NM_024301.5 (MANE Select); coding-DNA position 443, T replaced by G.
Protein change: p.Leu148Arg; replaces leucine 148 with arginine.
Molecular consequence: missense variant.
Genome position (GRCh38, 1-based): chr19:46,755,893, T>G. VCF-style: chr19-46755893-T-G. GRCh37 (hg19) VCF-style: chr19-47259150-T-G.
Other names: c.443T>G, p.Leu148Arg (NM_001039885.3); short protein forms L148R.
Identifiers: ClinVar variation 5021808 (VCV005021808.1).